The following is an entry in ClinVar:

ClinVar aggregate classification (germline): Uncertain significance. Review status: criteria provided, multiple submitters, no conflicts (2 of 4 stars). 2 submissions from 2 submitters: Uncertain significance (2). Last evaluated 2023-01-30.

Conditions:
Multiple endocrine neoplasia, type 1 (MEN1). Also called: MEN I; WERMER SYNDROME; Endocrine adenomatosis multiple; MEN 1; MEA I. Identifiers: Orphanet 652, MedGen C0025267, MeSH D018761, MONDO:0007540, OMIM 131100.

Submissions (2):

Labcorp Genetics (formerly Invitae), Labcorp
Classification: Uncertain significance for Multiple endocrine neoplasia, type 1. Last evaluated: 2023-01-30. Review status: criteria provided, single submitter. Criteria: Invitae Variant Classification Sherloc (09022015). Collection method: clinical testing. Allele origin: germline.
Comment: Advanced modeling of protein sequence and biophysical properties (such as structural, functional, and spatial information, amino acid conservation, physicochemical variation, residue mobility, and thermodynamic stability) performed at Invitae indicates that this missense variant is not expected to disrupt MEN1 protein function. This sequence change replaces arginine, which is basic and polar, with proline, which is neutral and non-polar, at codon 314 of the MEN1 protein (p.Arg314Pro). This variant is not present in population databases (gnomAD no frequency). This missense change has been observed in individual(s) with MEN1-related conditions (PMID: 9683585). In summary, the available evidence is currently insufficient to determine the role of this variant in disease. Therefore, it has been classified as a Variant of Uncertain Significance.

Blueprint Genetics
Classification: Uncertain significance. Last evaluated: 2020-06-02. Review status: criteria provided, single submitter. Criteria: ACMG Guidelines, 2015. Collection method: clinical testing. Allele origin: germline.

Literature cited by the submitters: PubMed 9683585 (cited by Labcorp Genetics (formerly Invitae), Labcorp).

NM_001370259.2(MEN1):c.941G>C (p.Arg314Pro)

Gene: MEN1 (menin 1; minus strand). Cytogenetic location: 11q13.1.
Variant type: single nucleotide variant.
Coding change: c.941G>C on transcript NM_001370259.2 (MANE Select); coding-DNA position 941, G replaced by C.
Protein change: p.Arg314Pro; replaces arginine 314 with proline.
Molecular consequence: missense variant. On other transcripts: non-coding transcript variant (4).
Genome position (GRCh38, 1-based): chr11:64,806,340, C>G on the plus strand (G>C on the coding strand, the complement: MEN1 is on the minus strand). VCF-style: chr11-64806340-C-G. GRCh37 (hg19) VCF-style: chr11-64573812-C-G.
Other names: c.956G>C, p.Arg319Pro (NM_000244.4, NM_001407145.1, NM_001407150.1 and 5 more transcripts); c.941G>C, p.Arg314Pro (NM_001370251.2, NM_001370260.2, NM_001370261.2 and 7 more transcripts); c.836G>C, p.Arg279Pro (NM_001370262.2, NM_001370263.2, NM_001407148.1 and 2 more transcripts); short protein forms R279P, R319P, R314P.
Identifiers: ClinVar variation 2735654 (VCV002735654.4), dbSNP rs771645621, ClinGen allele CA381183404.